The following is an entry in ClinVar:

NM_002206.3(ITGA7):c.3409G>A (p.Ala1137Thr)

Gene: ITGA7 (integrin subunit alpha 7; minus strand). Cytogenetic location: 12q13.2.
Variant type: single nucleotide variant.
Coding change: c.3409G>A on transcript NM_002206.3 (MANE Select); coding-DNA position 3409, G replaced by A.
Protein change: p.Ala1137Thr; replaces alanine 1137 with threonine.
Molecular consequence: missense variant.
Genome position (GRCh38, 1-based): chr12:55,685,063, C>T on the plus strand (G>A on the coding strand, the complement: ITGA7 is on the minus strand). VCF-style: chr12-55685063-C-T. GRCh37 (hg19) VCF-style: chr12-56078847-C-T.
Other names: c.3409G>A (NM_002206.2); c.3421G>A, p.Ala1141Thr (NM_001144996.2); c.3130G>A, p.Ala1044Thr (NM_001144997.2); c.3082G>A, p.Ala1028Thr (NM_001367993.1); c.2065G>A, p.Ala689Thr (NM_001367994.1); c.3391G>A, p.Ala1131Thr (NM_001374465.1); c.3541G>A, p.Ala1181Thr (NM_001410977.1); c.3403G>A, p.Ala1135Thr (NM_001414029.1); and 6 more; short protein forms A1044T, A1137T, A689T, A1028T, A1131T, A1141T, A1181T, A1062T.
Identifiers: ClinVar variation 1410264 (VCV001410264.5), dbSNP rs772419744, ClinGen allele CA6615222.

ClinVar aggregate classification (germline): Uncertain significance. Review status: criteria provided, multiple submitters, no conflicts (2 of 4 stars). 2 submissions from 2 submitters: Uncertain significance (2). Last evaluated 2024-02-23.

Conditions:
Congenital muscular dystrophy due to integrin alpha-7 deficiency. Also called: Congenital muscular dystrophy with integrin alpha-7 deficiency; MYOPATHY, CONGENITAL, DUE TO INTEGRIN ALPHA-7 DEFICIENCY; Muscular dystrophy, congenital, due to ITGA7 deficiency. Identifiers: Orphanet 34520, MedGen C2750786, MONDO:0013177, OMIM 613204.

Allele frequency attached by ClinVar (database versions not stated): TOPMed 0.00001; ExAC 0.00002; gnomAD exomes 0.00002 and 0.00004; gnomAD 0.00003.
gnomAD v4.1: 36 of 1,582,382 alleles (0.0023%); highest among the groups gnomAD compares: East Asian, 0.013%; no homozygotes.

Submissions (2):

Labcorp Genetics (formerly Invitae), Labcorp
Classification: Uncertain significance for Congenital muscular dystrophy due to integrin alpha-7 deficiency. Last evaluated: 2024-02-23. Review status: criteria provided, single submitter. Criteria: Invitae Variant Classification Sherloc (09022015). Collection method: clinical testing. Allele origin: germline.
Comment: This sequence change replaces alanine, which is neutral and non-polar, with threonine, which is neutral and polar, at codon 1137 of the ITGA7 protein (p.Ala1137Thr). This variant is present in population databases (rs772419744, gnomAD 0.02%). This variant has not been reported in the literature in individuals affected with ITGA7-related conditions. ClinVar contains an entry for this variant (Variation ID: 1410264). Algorithms developed to predict the effect of missense changes on protein structure and function output the following: SIFT: "Not Available"; PolyPhen-2: "Benign"; Align-GVGD: "Not Available". The threonine amino acid residue is found in multiple mammalian species, which suggests that this missense change does not adversely affect protein function. In summary, the available evidence is currently insufficient to determine the role of this variant in disease. Therefore, it has been classified as a Variant of Uncertain Significance.

Ambry Genetics
Classification: Uncertain significance. Last evaluated: 2023-09-26. Review status: criteria provided, single submitter. Criteria: Ambry Variant Classification Scheme 2023. Collection method: clinical testing. Allele origin: germline.